The following is an entry in ClinVar:

NM_139125.4(MASP1):c.491A>G (p.Tyr164Cys)

Gene: MASP1 (MBL associated serine protease 1; minus strand). Cytogenetic location: 3q27.3.
Variant type: single nucleotide variant.
Coding change: c.491A>G on transcript NM_139125.4 (MANE Select); coding-DNA position 491, A replaced by G.
Protein change: p.Tyr164Cys; replaces tyrosine 164 with cysteine.
Molecular consequence: missense variant. On other transcripts: non-coding transcript variant (1).
Genome position (GRCh38, 1-based): chr3:187,260,797, T>C on the plus strand (A>G on the coding strand, the complement: MASP1 is on the minus strand). VCF-style: chr3-187260797-T-C. GRCh37 (hg19) VCF-style: chr3-186978585-T-C.
Other names: c.491A>G, p.Tyr164Cys (NM_001031849.3, NM_001879.6); short protein forms Y164C.
Identifiers: ClinVar variation 1382729 (VCV001382729.9), dbSNP rs535846193, ClinGen allele CA2749616.

ClinVar aggregate classification (germline): Uncertain significance. Review status: criteria provided, multiple submitters, no conflicts (2 of 4 stars). 2 submissions from 2 submitters: Uncertain significance (2). Last evaluated 2022-06-21.

Conditions:
3MC syndrome 1. Also called: CRANIOSYNOSTOSIS WITH LID ANOMALIES; MICHELS SYNDROME; OCULOPALATOSKELETAL SYNDROME. Identifiers: Orphanet 293843, MedGen C0796059, MONDO:0009770, OMIM 257920.

Allele frequency attached by ClinVar (database versions not stated): TOPMed 0.00002; gnomAD 0.00004 and 0.00005; ExAC 0.00007; gnomAD exomes 0.00007; 1000 Genomes Project 30x 0.00031; 1000 Genomes Project 0.00040.
gnomAD v4.1: 29 of 1,614,136 alleles (0.0018%); highest among the groups gnomAD compares: East Asian, 0.065%; no homozygotes.

Submissions (2):

Blueprint Genetics
Classification: Uncertain significance. Last evaluated: 2022-06-21. Review status: criteria provided, single submitter. Criteria: ACMG Guidelines, 2015. Collection method: clinical testing. Allele origin: germline.

Labcorp Genetics (formerly Invitae), Labcorp
Classification: Uncertain significance for 3MC syndrome 1. Last evaluated: 2020-12-30. Review status: criteria provided, single submitter. Criteria: Invitae Variant Classification Sherloc (09022015). Collection method: clinical testing. Allele origin: germline.
Comment: This variant is present in population databases (rs535846193, ExAC 0.1%). In summary, the available evidence is currently insufficient to determine the role of this variant in disease. Therefore, it has been classified as a Variant of Uncertain Significance. Algorithms developed to predict the effect of missense changes on protein structure and function (SIFT, PolyPhen-2, Align-GVGD) all suggest that this variant is likely to be disruptive, but these predictions have not been confirmed by published functional studies and their clinical significance is uncertain. This variant has not been reported in the literature in individuals with MASP1-related conditions. This sequence change replaces tyrosine with cysteine at codon 164 of the MASP1 protein (p.Tyr164Cys). The tyrosine residue is moderately conserved and there is a large physicochemical difference between tyrosine and cysteine.